The following is an entry in ClinVar:

ClinVar aggregate classification (germline): Uncertain significance. Review status: criteria provided, multiple submitters, no conflicts (2 of 4 stars). 2 submissions from 2 submitters: Uncertain significance (2). Last evaluated 2025-10-13.

gnomAD v4.1: 1 of 1,613,916 alleles (0.000062%); highest among the groups gnomAD compares: Non-Finnish European, 0.000085%; no homozygotes.

Submissions (2):

Labcorp Genetics (formerly Invitae), Labcorp
Classification: Uncertain significance. Last evaluated: 2025-10-13. Review status: criteria provided, single submitter. Criteria: Invitae Variant Classification Sherloc (09022015). Collection method: clinical testing. Allele origin: germline.
Comment: This sequence change replaces valine, which is neutral and non-polar, with alanine, which is neutral and non-polar, at codon 363 of the A2ML1 protein (p.Val363Ala). This variant is not present in population databases (gnomAD no frequency). This variant has not been reported in the literature in individuals affected with A2ML1-related conditions. ClinVar contains an entry for this variant (Variation ID: 3298250). An algorithm developed to predict the effect of missense changes on protein structure and function (PolyPhen-2) suggests that this variant is likely to be tolerated. In summary, the available evidence is currently insufficient to determine the role of this variant in disease. Therefore, it has been classified as a Variant of Uncertain Significance.

Ambry Genetics
Classification: Uncertain significance. Last evaluated: 2024-06-21. Review status: criteria provided, single submitter. Criteria: Ambry Variant Classification Scheme 2023. Collection method: clinical testing. Allele origin: germline.
Comment: The p.V363A variant (also known as c.1088T>C), located in coding exon 11 of the A2ML1 gene, results from a T to C substitution at nucleotide position 1088. The valine at codon 363 is replaced by alanine, an amino acid with similar properties. This amino acid position is conserved. In addition, this alteration is predicted to be tolerated by in silico analysis. Based on the available evidence, the clinical significance of this variant remains unclear.

NM_144670.6(A2ML1):c.1088T>C (p.Val363Ala)

Gene: A2ML1 (alpha-2-macroglobulin like 1; plus strand). Cytogenetic location: 12p13.31.
Variant type: single nucleotide variant.
Coding change: c.1088T>C on transcript NM_144670.6 (MANE Select); coding-DNA position 1088, T replaced by C.
Protein change: p.Val363Ala; replaces valine 363 with alanine.
Molecular consequence: missense variant.
Genome position (GRCh38, 1-based): chr12:8,841,376, T>C. VCF-style: chr12-8841376-T-C. GRCh37 (hg19) VCF-style: chr12-8993972-T-C.
Other names: short protein forms V363A.
Identifiers: ClinVar variation 3298250 (VCV003298250.2).